The following is an entry in ClinVar:

ClinVar aggregate classification (germline): Likely pathogenic (1 of 4 stars; one submission).

Conditions:
Early-infantile DEE. Also called: Ohtahara syndrome; Early infantile epileptic encephalopathy with suppression bursts; Early infantile epileptic encephalopathy. Identifiers: Orphanet 1934, MedGen C0393706, MONDO:0800491.

Submission:

Labcorp Genetics (formerly Invitae), Labcorp
Classification: Likely pathogenic for Early-infantile DEE. Last evaluated: 2023-11-06. Review status: criteria provided, single submitter. Criteria: Invitae Variant Classification Sherloc (09022015). Collection method: clinical testing. Allele origin: germline.
Comment: This sequence change affects a donor splice site in intron 53 of the SPTAN1 gene. It is expected to disrupt RNA splicing. Variants that disrupt the donor or acceptor splice site typically lead to a loss of protein function (PMID: 16199547), and loss-of-function variants in SPTAN1 are known to be pathogenic (PMID: 31332438, 33206935). This variant is not present in population databases (gnomAD no frequency). This variant has not been reported in the literature in individuals affected with SPTAN1-related conditions. Algorithms developed to predict the effect of sequence changes on RNA splicing suggest that this variant may disrupt the consensus splice site. In summary, the currently available evidence indicates that the variant is pathogenic, but additional data are needed to prove that conclusively. Therefore, this variant has been classified as Likely Pathogenic.

Literature cited by the submitters: PubMed 16199547; PubMed 31332438; PubMed 33206935.

NM_001130438.3(SPTAN1):c.6959+1G>T

Gene: SPTAN1 (spectrin alpha, non-erythrocytic 1; plus strand). Cytogenetic location: 9q34.11.
Variant type: single nucleotide variant.
Coding change: c.6959+1G>T on transcript NM_001130438.3 (MANE Select); the canonical splice donor site of the intron after coding-DNA position 6959, G replaced by T.
Molecular consequence: splice donor variant.
Genome position (GRCh38, 1-based): chr9:128,632,324, G>T. VCF-style: chr9-128632324-G-T. GRCh37 (hg19) VCF-style: chr9-131394603-G-T.
Other names: c.7058+1G>T (NM_001375318.1); c.6995+1G>T (NM_001375312.2); c.6959+1G>T (NM_001375311.2); c.6899+1G>T (NM_001375314.2, NM_001363765.2); c.7046+1G>T (NM_001375310.1); c.7022+1G>T (NM_001363759.2); c.6941+1G>T (NM_001375313.1); c.6944+1G>T (NM_003127.4); and 1 more.
Identifiers: ClinVar variation 2853027 (VCV002853027.3), dbSNP rs2542381089, ClinGen allele CA375099278.